The following is an entry in ClinVar:

NM_018896.5(CACNA1G):c.1424A>G (p.Glu475Gly)

Gene: CACNA1G (calcium voltage-gated channel subunit alpha1 G; plus strand). Cytogenetic location: 17q21.33.
Variant type: single nucleotide variant.
Coding change: c.1424A>G on transcript NM_018896.5 (MANE Select); coding-DNA position 1424, A replaced by G.
Protein change: p.Glu475Gly; replaces glutamic acid 475 with glycine.
Molecular consequence: missense variant. On other transcripts: non-coding transcript variant (5).
Genome position (GRCh38, 1-based): chr17:50,575,826, A>G. VCF-style: chr17-50575826-A-G. GRCh37 (hg19) VCF-style: chr17-48653187-A-G.
Other names: c.1424A>G, p.Glu475Gly (NM_198386.3, NM_198387.3, NM_198388.3 and 24 more transcripts); short protein forms E475G.
Identifiers: ClinVar variation 4763111 (VCV004763111.1).

ClinVar aggregate classification (germline): Uncertain significance (1 of 4 stars; one submission).

Submission:

Labcorp Genetics (formerly Invitae), Labcorp
Classification: Uncertain significance. Last evaluated: 2025-10-10. Review status: criteria provided, single submitter. Criteria: Invitae Variant Classification Sherloc (09022015). Collection method: clinical testing. Allele origin: germline.
Comment: This sequence change replaces glutamic acid, which is acidic and polar, with glycine, which is neutral and non-polar, at codon 475 of the CACNA1G protein (p.Glu475Gly). This variant is not present in population databases (gnomAD no frequency). This variant has not been reported in the literature in individuals affected with CACNA1G-related conditions. Invitae Evidence Modeling of protein sequence and biophysical properties (such as structural, functional, and spatial information, amino acid conservation, physicochemical variation, residue mobility, and thermodynamic stability) indicates that this missense variant is not expected to disrupt CACNA1G protein function with a negative predictive value of 95%. In summary, the available evidence is currently insufficient to determine the role of this variant in disease. Therefore, it has been classified as a Variant of Uncertain Significance.